The following is an entry in ClinVar:

NM_018942.3(HMX1):c.934G>A (p.Ala312Thr)

Gene: HMX1 (H6 family homeobox 1; minus strand). Cytogenetic location: 4p16.1.
Variant type: single nucleotide variant.
Coding change: c.934G>A on transcript NM_018942.3 (MANE Select); coding-DNA position 934, G replaced by A.
Protein change: p.Ala312Thr; replaces alanine 312 with threonine.
Molecular consequence: missense variant. On other transcripts: intron variant (1).
Genome position (GRCh38, 1-based): chr4:8,867,806, C>T on the plus strand (G>A on the coding strand, the complement: HMX1 is on the minus strand). VCF-style: chr4-8867806-C-T. GRCh37 (hg19) VCF-style: chr4-8869532-C-T.
Other names: c.394+3415G>A (NM_001306142.2); c.934G>A (NM_018942.2); short protein forms A312T.
Identifiers: ClinVar variation 1465851 (VCV001465851.6), dbSNP rs1487305537, ClinGen allele CA356277445.

ClinVar aggregate classification (germline): Uncertain significance. Review status: criteria provided, multiple submitters, no conflicts (2 of 4 stars). 2 submissions from 2 submitters: Uncertain significance (2). Last evaluated 2025-04-10.

Conditions:
Inborn genetic diseases. Identifiers: MedGen C0950123, MeSH D030342.

Allele frequency attached by ClinVar (database versions not stated): gnomAD exomes 0.00001; TOPMed 0.00001; gnomAD 0.00001.
gnomAD v4.1: 8 of 1,225,654 alleles (0.00065%); highest among the groups gnomAD compares: Admixed American, 0.0087%; no homozygotes.

Submissions (2):

Ambry Genetics
Classification: Uncertain significance for Inborn genetic diseases. Last evaluated: 2025-04-10. Review status: criteria provided, single submitter. Criteria: Ambry Variant Classification Scheme 2023. Collection method: clinical testing. Allele origin: germline.

Labcorp Genetics (formerly Invitae), Labcorp
Classification: Uncertain significance. Last evaluated: 2022-09-06. Review status: criteria provided, single submitter. Criteria: Invitae Variant Classification Sherloc (09022015). Collection method: clinical testing. Allele origin: germline.
Comment: This sequence change replaces alanine, which is neutral and non-polar, with threonine, which is neutral and polar, at codon 312 of the HMX1 protein (p.Ala312Thr). This variant is not present in population databases (gnomAD no frequency). This variant has not been reported in the literature in individuals affected with HMX1-related conditions. ClinVar contains an entry for this variant (Variation ID: 1465851). Algorithms developed to predict the effect of missense changes on protein structure and function (SIFT, PolyPhen-2, Align-GVGD) all suggest that this variant is likely to be tolerated. In summary, the available evidence is currently insufficient to determine the role of this variant in disease. Therefore, it has been classified as a Variant of Uncertain Significance.